The following is an entry in ClinVar:

ClinVar aggregate classification (germline): Uncertain significance (1 of 4 stars; one submission).

Conditions:
Hereditary cancer-predisposing syndrome. Also called: Neoplastic Syndromes, Hereditary; Tumor predisposition; Hereditary neoplastic syndrome; Hereditary Cancer Syndrome. Identifiers: Orphanet 140162, MedGen C0027672, MeSH D009386, MONDO:0015356.

Submission:

Ambry Genetics
Classification: Uncertain significance for Hereditary cancer-predisposing syndrome. Last evaluated: 2024-02-11. Review status: criteria provided, single submitter. Criteria: Ambry Variant Classification Scheme 2023. Collection method: clinical testing. Allele origin: germline.
Comment: The p.P392S variant (also known as c.1174C>T), located in coding exon 4 of the BARD1 gene, results from a C to T substitution at nucleotide position 1174. The proline at codon 392 is replaced by serine, an amino acid with similar properties. This amino acid position is conserved. In addition, this alteration is predicted to be tolerated by in silico analysis. Based on the available evidence, the clinical significance of this alteration remains unclear.

NM_000465.4(BARD1):c.1174C>T (p.Pro392Ser)

Gene: BARD1 (BRCA1 associated RING domain 1; minus strand). Cytogenetic location: 2q35.
Variant type: single nucleotide variant.
Coding change: c.1174C>T on transcript NM_000465.4 (MANE Select); coding-DNA position 1174, C replaced by T.
Protein change: p.Pro392Ser; replaces proline 392 with serine.
Molecular consequence: missense variant. On other transcripts: non-coding transcript variant (2), intron variant (3).
Genome position (GRCh38, 1-based): chr2:214,780,700, G>A on the plus strand (C>T on the coding strand, the complement: BARD1 is on the minus strand). VCF-style: chr2-214780700-G-A. GRCh37 (hg19) VCF-style: chr2-215645424-G-A.
Other names: c.1117C>T, p.Pro373Ser (NM_001282543.2); c.159-28145C>T (NM_001282548.2); c.215+16361C>T (NM_001282545.2); c.364+11597C>T (NM_001282549.2); short protein forms P373S, P392S.
Identifiers: ClinVar variation 3231758 (VCV003231758.1), dbSNP rs2106108303, ClinGen allele CA350453863.